The following is an entry in ClinVar:

ClinVar aggregate classification (germline): Uncertain significance. Review status: criteria provided, single submitter (1 of 4 stars). 2 submissions from 2 submitters: Uncertain significance (1). 1 of the submissions does not count toward it. Last evaluated 2024-10-03.

Conditions:
Developmental and epileptic encephalopathy, 46 (DEE46). Also called: Epileptic encephalopathy, early infantile, 46; GRIN2D-Related Developmental and Epileptic Encephalopathy. Identifiers: MedGen C4310687, MONDO:0014947, OMIM 617162.

Allele frequency attached by ClinVar (database versions not stated): gnomAD exomes below 0.00001 and 0.00001; ExAC 0.00013.
gnomAD v4.1: 3 of 1,467,136 alleles (0.0002%); highest among the groups gnomAD compares: South Asian, 0.0013%; no homozygotes.

Submissions (2):

Labcorp Genetics (formerly Invitae), Labcorp
Classification: Uncertain significance. Last evaluated: 2024-10-03. Review status: criteria provided, single submitter. Criteria: Invitae Variant Classification Sherloc (09022015). Collection method: clinical testing. Allele origin: germline.
Comment: This sequence change replaces valine, which is neutral and non-polar, with alanine, which is neutral and non-polar, at codon 115 of the GRIN2D protein (p.Val115Ala). The frequency data for this variant in the population databases is considered unreliable, as metrics indicate poor data quality at this position in the gnomAD database. This variant has not been reported in the literature in individuals affected with GRIN2D-related conditions. ClinVar contains an entry for this variant (Variation ID: 1499116). Invitae Evidence Modeling of protein sequence and biophysical properties (such as structural, functional, and spatial information, amino acid conservation, physicochemical variation, residue mobility, and thermodynamic stability) indicates that this missense variant is not expected to disrupt GRIN2D protein function with a negative predictive value of 80%. In summary, the available evidence is currently insufficient to determine the role of this variant in disease. Therefore, it has been classified as a Variant of Uncertain Significance.

Center of Excellence for Medical Genomics, Chulalongkorn University
Classification: Uncertain significance for Developmental and epileptic encephalopathy, 46. Last evaluated: 2002-09-08. Review status: no assertion criteria provided. Collection method: research. Allele origin: de novo. Affected: yes. Not counted in ClinVar's aggregate classification.

NM_000836.4(GRIN2D):c.344T>C (p.Val115Ala)

Gene: GRIN2D (glutamate ionotropic receptor NMDA type subunit 2D; plus strand). Cytogenetic location: 19q13.33.
Variant type: single nucleotide variant.
Coding change: c.344T>C on transcript NM_000836.4 (MANE Select); coding-DNA position 344, T replaced by C.
Protein change: p.Val115Ala; replaces valine 115 with alanine.
Molecular consequence: missense variant.
Genome position (GRCh38, 1-based): chr19:48,398,736, T>C. VCF-style: chr19-48398736-T-C. GRCh37 (hg19) VCF-style: chr19-48901993-T-C.
Other names: short protein forms V115A.
Identifiers: ClinVar variation 1499116 (VCV001499116.7), dbSNP rs757989014, ClinGen allele CA9550324.
Genomic context (GRCh38, chr19:48,398,736, plus strand): 5'-ACCCGCGCAGCCTCGTGCTGCAGCTCTGCGACCTGCTGTCGGGGTTGCGCGTGCACGGCG[T>C]GGTCTTCGAAGACGACTCGCGCGCGCCCGCCGTCGCGCCCATCCTCGACTTCCTGTCGGC-3'
Protein context (NP_000827.2, residues 105-125): DLLSGLRVHG[Val115Ala]VFEDDSRAPA